The following is an entry in ClinVar:

ClinVar aggregate classification (germline): Uncertain significance. Review status: criteria provided, multiple submitters, no conflicts (2 of 4 stars). 2 submissions from 2 submitters: Uncertain significance (2). Last evaluated 2025-10-02.

Conditions:
NR3C2-related disorder. Also called: NR3C2-related disorders; NR3C2-related condition.
Pseudohyperaldosteronism type 2. Identifiers: Orphanet 88660, MedGen C1854631, MONDO:0011517, OMIM 605115.
Autosomal dominant pseudohypoaldosteronism type 1. Also called: PHA I, AUTOSOMAL DOMINANT; Pseudohypoaldosteronism, Type I, Dominant; Pseudohypoaldosteronism, Type I, Autosomal Dominant. Identifiers: Orphanet 171871, Orphanet 756, MedGen C1449842, MONDO:0008329, OMIM 177735.

Submissions (2):

PreventionGenetics, part of Exact Sciences
Classification: Uncertain significance for NR3C2-related condition. Last evaluated: 2025-10-02. Review status: criteria provided, single submitter. Criteria: ACMG Guidelines, 2015. Collection method: clinical testing. Allele origin: germline.
Comment: The NR3C2 c.65T>A variant is predicted to result in the amino acid substitution p.Val22Asp. To our knowledge, this variant has not been reported in the literature or in a large population database (gnomAD), indicating this variant is rare. At this time, the clinical significance of this variant is uncertain due to the absence of conclusive functional and genetic evidence.

Fulgent Genetics
Classification: Uncertain significance for Autosomal dominant pseudohypoaldosteronism type 1; Pseudohyperaldosteronism type 2. Last evaluated: 2024-05-13. Review status: criteria provided, single submitter. Criteria: ACMG Guidelines, 2015. Collection method: clinical testing. Allele origin: germline.

NM_000901.5(NR3C2):c.65T>A (p.Val22Asp)

Gene: NR3C2 (nuclear receptor subfamily 3 group C member 2; minus strand). Cytogenetic location: 4q31.23.
Variant type: single nucleotide variant.
Coding change: c.65T>A on transcript NM_000901.5 (MANE Select); coding-DNA position 65, T replaced by A.
Protein change: p.Val22Asp; replaces valine 22 with aspartic acid.
Molecular consequence: missense variant. On other transcripts: non-coding transcript variant (1).
Genome position (GRCh38, 1-based): chr4:148,436,796, A>T on the plus strand (T>A on the coding strand, the complement: NR3C2 is on the minus strand). VCF-style: chr4-148436796-A-T. GRCh37 (hg19) VCF-style: chr4-149357948-A-T.
Other names: c.65T>A (NM_000901.4); c.65T>A, p.Val22Asp (NM_001166104.2, NM_001354819.1); short protein forms V22D.
Identifiers: ClinVar variation 3590248 (VCV003590248.2).